The following is an entry in ClinVar:

NM_000368.5(TSC1):c.1747C>A (p.Pro583Thr)

Gene: TSC1 (TSC complex subunit 1; minus strand). Cytogenetic location: 9q34.13.
Variant type: single nucleotide variant.
Coding change: c.1747C>A on transcript NM_000368.5 (MANE Select); coding-DNA position 1747, C replaced by A.
Protein change: p.Pro583Thr; replaces proline 583 with threonine.
Molecular consequence: missense variant. On other transcripts: non-coding transcript variant (5).
Genome position (GRCh38, 1-based): chr9:132,905,831, G>T on the plus strand (C>A on the coding strand, the complement: TSC1 is on the minus strand). VCF-style: chr9-132905831-G-T. GRCh37 (hg19) VCF-style: chr9-135781218-G-T.
Other names: c.1744C>A, p.Pro582Thr (NM_001162426.2, NM_001406597.1, NM_001406598.1 and 6 more transcripts); c.1594C>A, p.Pro532Thr (NM_001162427.2, NM_001406610.1); c.1384C>A, p.Pro462Thr (NM_001362177.2, NM_001406624.1, NM_001406614.1 and 5 more transcripts); c.1747C>A, p.Pro583Thr (NM_001406592.1, NM_001406593.1, NM_001406594.1 and 7 more transcripts); c.1381C>A, p.Pro461Thr (NM_001406621.1, NM_001406622.1, NM_001406623.1 and 2 more transcripts); c.796C>A, p.Pro266Thr (NM_001406626.1); c.793C>A, p.Pro265Thr (NM_001406627.1, NM_001406628.1); c.694C>A, p.Pro232Thr (NM_001406629.1, NM_001406630.1); and 1 more; short protein forms P232T, P462T, P265T, P531T, P582T, P266T, P461T, P532T.
Identifiers: ClinVar variation 4841472 (VCV004841472.1).

ClinVar aggregate classification (germline): Uncertain significance (1 of 4 stars; one submission).

Conditions:
Hereditary cancer-predisposing syndrome. Also called: Neoplastic Syndromes, Hereditary; Tumor predisposition; Hereditary Cancer Syndrome; Hereditary neoplastic syndrome. Identifiers: Orphanet 140162, MedGen C0027672, MeSH D009386, MONDO:0015356.

gnomAD v4.1: 5 of 1,614,146 alleles (0.00031%); highest among the groups gnomAD compares: Non-Finnish European, 0.00042%; no homozygotes.

Submission:

Ambry Genetics
Classification: Uncertain significance for Hereditary cancer-predisposing syndrome. Last evaluated: 2025-12-27. Review status: criteria provided, single submitter. Criteria: Ambry Variant Classification Scheme 2023. Collection method: clinical testing. Allele origin: germline.
Comment: The p.P583T variant (also known as c.1747C>A), located in coding exon 13 of the TSC1 gene, results from a C to A substitution at nucleotide position 1747. The proline at codon 583 is replaced by threonine, an amino acid with highly similar properties. This amino acid position is conserved. In addition, this alteration is predicted to be deleterious by in silico analysis. Based on the available evidence, the clinical significance of this variant remains unclear.